The following is an entry in ClinVar:

ClinVar aggregate classification (germline): Pathogenic (1 of 4 stars; one submission).

Conditions:
Combined immunodeficiency due to ZAP70 deficiency (IMD48). Also called: Immunodeficiency 48; ZAP70 Deficiency. Identifiers: Orphanet 911, MedGen C2931299, MONDO:0010023, OMIM 269840.

Submission:

Labcorp Genetics (formerly Invitae), Labcorp
Classification: Pathogenic for Combined immunodeficiency due to ZAP70 deficiency. Last evaluated: 2025-10-29. Review status: criteria provided, single submitter. Criteria: Invitae Variant Classification Sherloc (09022015). Collection method: clinical testing. Allele origin: germline.
Comment: This sequence change creates a premature translational stop signal (p.Glu415Glyfs*18) in the ZAP70 gene. It is expected to result in an absent or disrupted protein product. Loss-of-function variants in ZAP70 are known to be pathogenic (PMID: 8202712). This variant is not present in population databases (gnomAD no frequency). This variant has not been reported in the literature in individuals affected with ZAP70-related conditions. For these reasons, this variant has been classified as Pathogenic.

Literature cited by the submitters: PubMed 8202712.

NM_001079.4(ZAP70):c.1244_1253del (p.Glu415fs)

Gene: ZAP70 (zeta chain of T cell receptor associated protein kinase 70; plus strand). Cytogenetic location: 2q11.2.
Variant type: Deletion.
Coding change: c.1244_1253del on transcript NM_001079.4 (MANE Select); coding-DNA positions 1244 to 1253, 10 bases deleted (AGATGGCTGG; older notation c.1244_1253delAGATGGCTGG).
Protein change: p.Glu415fs; shifts the reading frame from glutamic acid 415.
Molecular consequence: frameshift variant.
Genome position (GRCh38, 1-based): chr2:97,735,411-97,735,420, AGATGGCTGG deleted; deleting any 10 consecutive bases within chr2:97,735,408-97,735,420 gives the same sequence; the c. name uses the placement nearest the transcript's 3' end. VCF-style (leftmost placement, unchanged base first): chr2-97735407-ATGGAGATGGC-A. GRCh37 (hg19) VCF-style: chr2-98351870-ATGGAGATGGC-A.
Other names: c.1244_1253del, p.Glu415fs (NM_001378594.1); c.323_332del, p.Glu108fs (NM_207519.2); short protein forms E415fs, E108fs.
Identifiers: ClinVar variation 4769503 (VCV004769503.1).
Genomic context (GRCh38, chr2:97,735,407, plus strand): 5'-GACAACCCCTACATCGTGCGGCTCATTGGCGTCTGCCAGGCCGAGGCCCTCATGCTGGTC[ATGGAGATGGC>A]TGGGGGCGGGCCGCTGCACAAGTTCCTGGTCGGCAAGAGGTGAGCACCGGGTGGGCCCGG-3'